The following is an entry in ClinVar:

ClinVar aggregate classification (germline): Uncertain significance (1 of 4 stars; one submission).

Conditions:
Primary ciliary dyskinesia. Also called: Ciliary dyskinesia. Identifiers: Orphanet 244, MedGen C0008780, MONDO:0016575, HP:0012265.

Submission:

Labcorp Genetics (formerly Invitae), Labcorp
Classification: Uncertain significance for Primary ciliary dyskinesia. Last evaluated: 2023-03-24. Review status: criteria provided, single submitter. Criteria: Invitae Variant Classification Sherloc (09022015). Collection method: clinical testing. Allele origin: germline.
Comment: This variant is not present in population databases (gnomAD no frequency). This variant has not been reported in the literature in individuals affected with DNAH11-related conditions. Variants that disrupt the consensus splice site are a relatively common cause of aberrant splicing (PMID: 17576681, 9536098). Algorithms developed to predict the effect of sequence changes on RNA splicing suggest that this variant is not likely to affect RNA splicing. In summary, the available evidence is currently insufficient to determine the role of this variant in disease. Therefore, it has been classified as a Variant of Uncertain Significance. This sequence change falls in intron 71 of the DNAH11 gene. It does not directly change the encoded amino acid sequence of the DNAH11 protein. It affects a nucleotide within the consensus splice site.

Literature cited by the submitters: PubMed 17576681; PubMed 9536098.

NM_001277115.2(DNAH11):c.11690+6G>A

Gene: DNAH11 (dynein axonemal heavy chain 11; plus strand). Cytogenetic location: 7p15.3.
Variant type: single nucleotide variant.
Coding change: c.11690+6G>A on transcript NM_001277115.2 (MANE Select); 6 bases into the intron after coding-DNA position 11690, G replaced by A.
Molecular consequence: intron variant.
Genome position (GRCh38, 1-based): chr7:21,866,669, G>A. VCF-style: chr7-21866669-G-A. GRCh37 (hg19) VCF-style: chr7-21906287-G-A.
Identifiers: ClinVar variation 2786114 (VCV002786114.3), dbSNP rs2535506185, ClinGen allele CA2739266348.